The following is an entry in ClinVar:

NM_001379200.1(TBX1):c.1226T>C (p.Leu409Pro)

Gene: TBX1 (T-box transcription factor 1; plus strand). Cytogenetic location: 22q11.21.
Variant type: single nucleotide variant.
Coding change: c.1226T>C on transcript NM_001379200.1 (MANE Select); coding-DNA position 1226, T replaced by C.
Protein change: p.Leu409Pro; replaces leucine 409 with proline.
Molecular consequence: missense variant. On other transcripts: intron variant (2).
Genome position (GRCh38, 1-based): chr22:19,766,578, T>C. VCF-style: chr22-19766578-T-C. GRCh37 (hg19) VCF-style: chr22-19754101-T-C.
Other names: c.1199T>C, p.Leu400Pro (NM_080647.1); c.1009+576T>C (NM_005992.1, NM_080646.2); short protein forms L400P, L409P.
Identifiers: ClinVar variation 4687268 (VCV004687268.1).
Genomic context (GRCh38, chr22:19,766,578, plus strand): 5'-GCGGCTTAGTCCCGCTGCCCGGCGCGCCCGGAGGCCGGCCCAGTCCCCCGAACCCCGAGC[T>C]GCGCCTGGAGGCGCCCGGCGCATCGGAGCCGCTGCACCACCACCCCTACAAATATCCGGC-3'
Protein context (NP_001366129.1, residues 399-419): GGRPSPPNPE[Leu409Pro]RLEAPGASEP

ClinVar aggregate classification (germline): Uncertain significance (1 of 4 stars; one submission).

Submission:

Women's Health and Genetics/Laboratory Corporation of America, LabCorp
Classification: Uncertain significance. Last evaluated: 2025-10-15. Review status: criteria provided, single submitter. Criteria: LabCorp Variant Classification Summary - May 2015. Collection method: clinical testing. Allele origin: germline.
Comment: Variant summary: TBX1 c.1199T>C (p.Leu400Pro) results in a non-conservative amino acid change in the encoded protein sequence. Algorithms developed to predict the effect of missense changes on protein structure and function are either unavailable or do not agree on the potential impact of this missense change. The variant was absent in 93238 control chromosomes. The available data on variant occurrences in the general population are insufficient to allow any conclusion about variant significance. To our knowledge, no occurrence of c.1199T>C in individuals affected with TBX1-related conditions and no experimental evidence demonstrating its impact on protein function have been reported. No submitters have cited clinical-significance assessments for this variant to ClinVar. Based on the evidence outlined above, the variant was classified as uncertain significance.